The following is an entry in ClinVar:

ClinVar aggregate classification (germline): Likely pathogenic. Review status: criteria provided, multiple submitters, no conflicts (2 of 4 stars). 2 submissions from 2 submitters: Likely pathogenic (2). Last evaluated 2024-04-30.

Conditions:
Methylmalonic aciduria and homocystinuria type cblF. Also called: COBALAMIN F DISEASE; COBALAMIN, DEFECT IN LYSOSOMAL RELEASE OF; METHYLMALONIC ACIDEMIA AND HOMOCYSTINURIA, cblF TYPE; METHYLMALONIC ACIDURIA DUE TO VITAMIN B12-RELEASE DEFECT; VITAMIN B12 LYSOSOMAL RELEASE DEFECT; VITAMIN B12 STORAGE DISEASE. Identifiers: Orphanet 79284, MedGen C1848578, MONDO:0010183, OMIM 277380.

Allele frequency attached by ClinVar (database versions not stated): gnomAD exomes below 0.00001; ExAC 0.00002.

Submissions (2):

Fulgent Genetics
Classification: Likely pathogenic for Methylmalonic aciduria and homocystinuria type cblF. Last evaluated: 2024-04-30. Review status: criteria provided, single submitter. Criteria: ACMG Guidelines, 2015. Collection method: clinical testing. Allele origin: germline.

Labcorp Genetics (formerly Invitae), Labcorp
Classification: Likely pathogenic for Methylmalonic aciduria and homocystinuria type cblF. Last evaluated: 2024-01-31. Review status: criteria provided, single submitter. Criteria: Invitae Variant Classification Sherloc (09022015). Collection method: clinical testing. Allele origin: germline.
Comment: This variant results in the deletion of part of exon 12 (c.1187_1188+2del) of the LMBRD1 gene. It is expected to disrupt RNA splicing. Variants that disrupt the donor or acceptor splice site typically lead to a loss of protein function (PMID: 16199547), and loss-of-function variants in LMBRD1 are known to be pathogenic (PMID: 19136951, 21303734). This variant is not present in population databases (gnomAD no frequency). This variant has not been reported in the literature in individuals affected with LMBRD1-related conditions. In summary, the currently available evidence indicates that the variant is pathogenic, but additional data are needed to prove that conclusively. Therefore, this variant has been classified as Likely Pathogenic.

Literature cited by the submitters: PubMed 16199547 (cited by Labcorp Genetics (formerly Invitae), Labcorp); PubMed 19136951 (cited by Labcorp Genetics (formerly Invitae), Labcorp); PubMed 21303734 (cited by Labcorp Genetics (formerly Invitae), Labcorp).

NM_018368.4(LMBRD1):c.1187_1188+2del

Gene: LMBRD1 (LMBR1 domain containing 1; minus strand). Cytogenetic location: 6q13.
Variant type: Deletion.
Coding change: c.1187_1188+2del on transcript NM_018368.4 (MANE Select); coding-DNA position 1187 through the canonical splice donor site of the intron after coding-DNA position 1188, 4 bases deleted (GAGT; older notation c.1187_1188+2delGAGT).
Molecular consequence: splice donor variant.
Genome position (GRCh38, 1-based): chr6:69,700,763-69,700,766, ACTC deleted on the plus strand (GAGT on the coding strand, the reverse complement: LMBRD1 is on the minus strand). VCF-style (leftmost placement, unchanged base first): chr6-69700762-TACTC-T. GRCh37 (hg19) VCF-style: chr6-70410654-TACTC-T.
Other names: c.968_969+2del (NM_001367272.1, NM_001367271.1, NM_001363722.2).
Identifiers: ClinVar variation 2804290 (VCV002804290.4), dbSNP rs758107642, ClinGen allele CA3879668.